The following is an entry in ClinVar:

NM_000435.3(NOTCH3):c.5508C>T (p.Asp1836=)

Gene: NOTCH3 (notch receptor 3; minus strand). Cytogenetic location: 19p13.12.
Variant type: single nucleotide variant.
Coding change: c.5508C>T on transcript NM_000435.3 (MANE Select); coding-DNA position 5508, C replaced by T.
Protein change: p.Asp1836=; no amino-acid change (aspartic acid 1836 retained).
Molecular consequence: synonymous variant.
Genome position (GRCh38, 1-based): chr19:15,165,946, G>A on the plus strand (C>T on the coding strand, the complement: NOTCH3 is on the minus strand). VCF-style: chr19-15165946-G-A. GRCh37 (hg19) VCF-style: chr19-15276757-G-A.
Other names: c.5508C>T (NM_000435.2).
Identifiers: ClinVar variation 3907505 (VCV003907505.3).

ClinVar aggregate classification (germline): Likely benign. Review status: criteria provided, multiple submitters, no conflicts (2 of 4 stars). 3 submissions from 3 submitters: Likely benign (3). Last evaluated 2026-01-06.

gnomAD v4.1: 129 of 1,614,202 alleles (0.008%); highest among the groups gnomAD compares: Non-Finnish European, 0.0097%; no homozygotes.

Submissions (3):

Labcorp Genetics (formerly Invitae), Labcorp
Classification: Likely benign. Last evaluated: 2026-01-06. Review status: criteria provided, single submitter. Criteria: Invitae Variant Classification Sherloc (09022015). Collection method: clinical testing. Allele origin: germline.

Women's Health and Genetics/Laboratory Corporation of America, LabCorp
Classification: Likely benign. Last evaluated: 2025-06-26. Review status: criteria provided, single submitter. Criteria: LabCorp Variant Classification Summary - May 2015. Collection method: clinical testing. Allele origin: germline.

Athena Diagnostics
Classification: Likely benign. Last evaluated: 2025-04-09. Review status: criteria provided, single submitter. Criteria: Athena Diagnostics Criteria. Collection method: clinical testing. Allele origin: unknown.
Comment: The frequency of this variant in the general population is higher than would generally be expected for pathogenic variants in this gene. Computational tools yielded predictions that this variant is unlikely to have an effect on normal RNA splicing.